The following is an entry in ClinVar:

ClinVar aggregate classification (germline): Uncertain significance (1 of 4 stars; one submission).

Submission:

CeGaT Center for Human Genetics Tuebingen
Classification: Uncertain significance. Last evaluated: 2025-12-01. Review status: criteria provided, single submitter. Criteria: CeGaT Center For Human Genetics Tuebingen Variant Classification Criteria Version 2. Collection method: clinical testing. Allele origin: germline. Affected: yes. Observed: 1 variant allele.
Comment: COL6A3: PM2

NM_004369.4(COL6A3):c.8516T>C (p.Phe2839Ser)

Gene: COL6A3 (collagen type VI alpha 3 chain; minus strand). Cytogenetic location: 2q37.3.
Variant type: single nucleotide variant.
Coding change: c.8516T>C on transcript NM_004369.4 (MANE Select); coding-DNA position 8516, T replaced by C.
Protein change: p.Phe2839Ser; replaces phenylalanine 2839 with serine.
Molecular consequence: missense variant.
Genome position (GRCh38, 1-based): chr2:237,339,066, A>G on the plus strand (T>C on the coding strand, the complement: COL6A3 is on the minus strand). VCF-style: chr2-237339066-A-G. GRCh37 (hg19) VCF-style: chr2-238247709-A-G.
Other names: c.6695T>C, p.Phe2232Ser (NM_057166.5); c.7898T>C, p.Phe2633Ser (NM_057167.4); short protein forms F2232S, F2633S, F2839S.
Identifiers: ClinVar variation 4682060 (VCV004682060.5).